The following is an entry in ClinVar:

ClinVar aggregate classification (germline): Pathogenic (1 of 4 stars; one submission).

Submission:

Labcorp Genetics (formerly Invitae), Labcorp
Classification: Pathogenic. Last evaluated: 2019-07-01. Review status: criteria provided, single submitter. Criteria: Invitae Variant Classification Sherloc (09022015). Collection method: clinical testing. Allele origin: germline.
Comment: This variant is an out-of-frame deletion of the genomic region encompassing exons 13-14 of the EYS gene. This is expected to create a premature translational stop signal and result in an absent or disrupted protein product. This variant has been observed in individuals affected with retinitis pigmentosa (PMID: 30153090, 21519034). This variant is also known as c.3317-?_4251+? in the literature. Loss-of-function variants in EYS are known to be pathogenic (PMID: 18836446, 20333770). For these reasons, this variant has been classified as Pathogenic.

Literature cited by the submitters: PubMed 30153090; PubMed 21519034.

NC_000006.12:g.(?_64997572)_(65057737_?)del

Gene: EYS (eyes shut homolog; minus strand). Cytogenetic location: 6q12.
Variant type: Deletion.
Identifiers: ClinVar variation 831214 (VCV000831214.1).